The following is an entry in ClinVar:

NM_001605.3(AARS1):c.2630T>C (p.Leu877Pro)

Gene: AARS1 (alanyl-tRNA synthetase 1; minus strand). Cytogenetic location: 16q22.1.
Variant type: single nucleotide variant.
Coding change: c.2630T>C on transcript NM_001605.3 (MANE Select); coding-DNA position 2630, T replaced by C.
Protein change: p.Leu877Pro; replaces leucine 877 with proline.
Molecular consequence: missense variant.
Genome position (GRCh38, 1-based): chr16:70,253,359, A>G on the plus strand (T>C on the coding strand, the complement: AARS1 is on the minus strand). VCF-style: chr16-70253359-A-G. GRCh37 (hg19) VCF-style: chr16-70287262-A-G.
Other names: short protein forms L877P.
Identifiers: ClinVar variation 1052096 (VCV001052096.9), dbSNP rs2152149752, ClinGen allele CA396554788.

ClinVar aggregate classification (germline): Uncertain significance (1 of 4 stars; one submission).

Conditions:
Charcot-Marie-Tooth disease type 2. Also called: Charcot-Marie-Tooth type 2. Identifiers: Orphanet 64746, MedGen C0270914, MONDO:0018993.

Submission:

Labcorp Genetics (formerly Invitae), Labcorp
Classification: Uncertain significance for Charcot-Marie-Tooth disease type 2. Last evaluated: 2022-07-18. Review status: criteria provided, single submitter. Criteria: Invitae Variant Classification Sherloc (09022015). Collection method: clinical testing. Allele origin: germline.
Comment: In summary, the available evidence is currently insufficient to determine the role of this variant in disease. Therefore, it has been classified as a Variant of Uncertain Significance. Algorithms developed to predict the effect of missense changes on protein structure and function are either unavailable or do not agree on the potential impact of this missense change (SIFT: "Deleterious"; PolyPhen-2: "Possibly Damaging"; Align-GVGD: "Class C0"). ClinVar contains an entry for this variant (Variation ID: 1052096). This variant has not been reported in the literature in individuals affected with AARS-related conditions. This variant is not present in population databases (gnomAD no frequency). This sequence change replaces leucine, which is neutral and non-polar, with proline, which is neutral and non-polar, at codon 877 of the AARS protein (p.Leu877Pro).